The following is an entry in ClinVar:

NM_000292.3(PHKA2):c.473C>T (p.Thr158Ile)

Gene: PHKA2 (phosphorylase kinase regulatory subunit alpha 2; minus strand). Cytogenetic location: Xp22.13.
Variant type: single nucleotide variant.
Coding change: c.473C>T on transcript NM_000292.3 (MANE Select); coding-DNA position 473, C replaced by T.
Protein change: p.Thr158Ile; replaces threonine 158 with isoleucine.
Molecular consequence: missense variant.
Genome position (GRCh38, 1-based): chrX:18,948,808, G>A on the plus strand (C>T on the coding strand, the complement: PHKA2 is on the minus strand). VCF-style: chrX-18948808-G-A. GRCh37 (hg19) VCF-style: chrX-18966926-G-A.
Other names: short protein forms T158I.
Identifiers: ClinVar variation 1301802 (VCV001301802.3), dbSNP rs2147981456, ClinGen allele CA412373746.
Genomic context (GRCh38, chrX:18,948,808, plus strand): 5'-ACTTTATATGCAGCTTCTATGTAAAAGACAAGATTCTGTATGAAGGCCACCTCATCGAGA[G>A]TGAAAATGATACGTAAGCCTAGCAAAGAAAAACAATGAGGTTATGAAGCCATGTTGCAGA-3'
Protein context (NP_000283.1, residues 148-168): MTASGLRIIF[Thr158Ile]LDEVAFIQNL

ClinVar aggregate classification (germline): Uncertain significance. Review status: criteria provided, multiple submitters, no conflicts (2 of 4 stars). 2 submissions from 2 submitters: Uncertain significance (2). Last evaluated 2022-03-14.

Conditions:
Glycogen storage disease IXa1. Also called: GLYCOGEN STORAGE DISEASE VIII; GSD VIII; Glycogen storage disease 8; LIVER GLYCOGENOSIS, X-LINKED, TYPE I. Identifiers: Orphanet 264580, MedGen C3694531, MONDO:0010598, OMIM 306000.

Submissions (2):

Fulgent Genetics
Classification: Uncertain significance for Glycogen storage disease IXa1. Last evaluated: 2022-03-14. Review status: criteria provided, single submitter. Criteria: ACMG Guidelines, 2015. Collection method: clinical testing. Allele origin: unknown.

Dubai Health Genomic Medicine Center, Dubai Health
Classification: Uncertain significance for Glycogen storage disease IXa1. Last evaluated: 2020-11-18. Review status: criteria provided, single submitter. Criteria: ACMG Guidelines, 2015. Collection method: clinical testing. Allele origin: germline. Affected: yes.
Comment: The p.Thr158Ile missense variant in PHKA2 has not been previously reported in affected individuals and was absent from large population studies such as the Genome Aggregation Database (gnomAD) and he Greater Middle East (GME) Variome Database. Computational prediction tools and conservation analysis suggest an impact to protein function though this information is not predictive enough to confirm pathogenicity. In summary more information is needed to fully assess the clinical significance of this variant.